The following is an entry in ClinVar:

ClinVar aggregate classification (germline): Uncertain significance. Review status: criteria provided, multiple submitters, no conflicts (2 of 4 stars). 2 submissions from 2 submitters: Uncertain significance (2). Last evaluated 2025-12-23.

Conditions:
CEP290-related disorder. Also called: CEP290-related condition; CEP290-related disorders. Identifiers: MedGen CN239314.
Nephronophthisis. Also called: Juvenile Nephronophthisis. Identifiers: Orphanet 655, MedGen C0687120, MONDO:0019005, HP:0000090.
Meckel-Gruber syndrome. Also called: DYSENCEPHALIA SPLANCHNOCYSTICA; GRUBER SYNDROME; Dysencephalia splachnocystica. Identifiers: Orphanet 564, MedGen C0265215, MONDO:0018921.
Joubert syndrome. Also called: JOUBERT-BOLTSHAUSER SYNDROME; Familial aplasia of the vermis. Identifiers: Orphanet 475, MedGen C5979921, MONDO:0018772.

Allele frequency attached by ClinVar (database versions not stated): gnomAD exomes 0.00001.
gnomAD v4.1: 14 of 1,613,536 alleles (0.00087%); highest among the groups gnomAD compares: Admixed American, 0.005%; no homozygotes.

Submissions (2):

PreventionGenetics, part of Exact Sciences
Classification: Uncertain significance for CEP290-related condition. Last evaluated: 2025-12-23. Review status: criteria provided, single submitter. Criteria: ACMG Guidelines, 2015. Collection method: clinical testing. Allele origin: germline.
Comment: The CEP290 c.5056G>A variant is predicted to result in the amino acid substitution p.Glu1686Lys. This variant was reported in an individual with severe obesity; however, no additional studies were performed to help assess the pathogenicity of this variant (Table 1. Day et al. 2021. PubMed ID: 33616283). This variant is reported in 0.0058% of alleles in individuals of Latino descent in gnomAD. At this time, the clinical significance of this variant is uncertain due to the absence of conclusive functional and genetic evidence.

Labcorp Genetics (formerly Invitae), Labcorp
Classification: Uncertain significance for Joubert syndrome; Meckel-Gruber syndrome; Nephronophthisis. Last evaluated: 2025-05-12. Review status: criteria provided, single submitter. Criteria: Invitae Variant Classification Sherloc (09022015). Collection method: clinical testing. Allele origin: germline.
Comment: This sequence change replaces glutamic acid, which is acidic and polar, with lysine, which is basic and polar, at codon 1686 of the CEP290 protein (p.Glu1686Lys). This variant is present in population databases (rs377143954, gnomAD 0.006%). This variant has not been reported in the literature in individuals affected with CEP290-related conditions. ClinVar contains an entry for this variant (Variation ID: 2202029). Invitae Evidence Modeling of protein sequence and biophysical properties (such as structural, functional, and spatial information, amino acid conservation, physicochemical variation, residue mobility, and thermodynamic stability) indicates that this missense variant is expected to disrupt CEP290 protein function with a positive predictive value of 80%. In summary, the available evidence is currently insufficient to determine the role of this variant in disease. Therefore, it has been classified as a Variant of Uncertain Significance.

NM_025114.4(CEP290):c.5056G>A (p.Glu1686Lys)

Gene: CEP290 (centrosomal protein 290; minus strand). Cytogenetic location: 12q21.32.
Variant type: single nucleotide variant.
Coding change: c.5056G>A on transcript NM_025114.4 (MANE Select); coding-DNA position 5056, G replaced by A.
Protein change: p.Glu1686Lys; replaces glutamic acid 1686 with lysine.
Molecular consequence: missense variant.
Genome position (GRCh38, 1-based): chr12:88,080,352, C>T on the plus strand (G>A on the coding strand, the complement: CEP290 is on the minus strand). VCF-style: chr12-88080352-C-T. GRCh37 (hg19) VCF-style: chr12-88474129-C-T.
Other names: c.5056G>A (NM_025114.3); short protein forms E1686K.
Identifiers: ClinVar variation 2202029 (VCV002202029.4), dbSNP rs377143954, ClinGen allele CA6711799.